The following is an entry in ClinVar:

NM_000051.4(ATM):c.6686T>G (p.Val2229Gly)

Genes: ATM (ATM serine/threonine kinase; plus strand), C11orf65 (chromosome 11 open reading frame 65; minus strand). Cytogenetic location: 11q22.3.
Variant type: single nucleotide variant.
Coding change: c.6686T>G on transcript NM_000051.4 (MANE Select); coding-DNA position 6686, T replaced by G.
Protein change: p.Val2229Gly; replaces valine 2229 with glycine.
Molecular consequence: missense variant. On other transcripts: intron variant (2).
Genome position (GRCh38, 1-based): chr11:108,325,423, T>G. VCF-style: chr11-108325423-T-G. GRCh37 (hg19) VCF-style: chr11-108196150-T-G.
Other names: c.6686T>G, p.Val2229Gly (NM_001351834.2); c.641-16352A>C (NM_001330368.2); c.*38+9797A>C (NM_001351110.2); short protein forms V2229G.
Identifiers: ClinVar variation 569219 (VCV000569219.10), dbSNP rs1555119144, ClinGen allele CA382554894.

ClinVar aggregate classification (germline): Uncertain significance. Review status: criteria provided, multiple submitters, no conflicts (2 of 4 stars). 2 submissions from 2 submitters: Uncertain significance (2). Last evaluated 2024-04-15.

Conditions:
Familial cancer of breast. Also called: BREAST CANCER, FAMILIAL; Hereditary breast cancer; hereditary breast carcinoma. Identifiers: Orphanet 227535, MedGen C0346153, MONDO:0016419, OMIM 114480. Disease mechanism: loss of function.
Ataxia-telangiectasia syndrome (AT). Also called: Cerebello-oculocutaneous telangiectasia; Immunodeficiency with ataxia telangiectasia; Ataxia-telangiectasia, complementation group E; Ataxia-telangiectasia, complementation group D; AT, COMPLEMENTATION GROUP C; ATAXIA-TELANGIECTASIA, COMPLEMENTATION GROUP A. Identifiers: Orphanet 100, MedGen C0004135, MONDO:0008840, OMIM 208900.

Submissions (2):

Labcorp Genetics (formerly Invitae), Labcorp
Classification: Uncertain significance for Ataxia-telangiectasia syndrome. Last evaluated: 2024-04-15. Review status: criteria provided, single submitter. Criteria: Invitae Variant Classification Sherloc (09022015). Collection method: clinical testing. Allele origin: germline.
Comment: This sequence change replaces valine, which is neutral and non-polar, with glycine, which is neutral and non-polar, at codon 2229 of the ATM protein (p.Val2229Gly). This variant is not present in population databases (gnomAD no frequency). This variant has not been reported in the literature in individuals affected with ATM-related conditions. ClinVar contains an entry for this variant (Variation ID: 569219). An algorithm developed to predict the effect of missense changes on protein structure and function (PolyPhen-2) suggests that this variant is likely to be disruptive. In summary, the available evidence is currently insufficient to determine the role of this variant in disease. Therefore, it has been classified as a Variant of Uncertain Significance.

Baylor Genetics
Classification: Uncertain significance for Familial cancer of breast. Last evaluated: 2023-09-05. Review status: criteria provided, single submitter. Criteria: ACMG Guidelines, 2015. Collection method: clinical testing. Allele origin: unknown.